The following is an entry in ClinVar:

ClinVar aggregate classification (germline): Likely benign. Review status: criteria provided, multiple submitters, no conflicts (2 of 4 stars). 3 submissions from 3 submitters: Likely benign (2). 1 of the submissions does not count toward it. Last evaluated 2026-01-20.

Conditions:
MIPEP-related disorder. Also called: MIPEP-related condition.

Allele frequency attached by ClinVar (database versions not stated): gnomAD 0.00003; TOPMed 0.00003; ExAC 0.00006.
gnomAD v4.1: 74 of 1,500,546 alleles (0.0049%); highest among the groups gnomAD compares: Non-Finnish European, 0.0061%; no homozygotes.

Submissions (3):

Labcorp Genetics (formerly Invitae), Labcorp
Classification: Likely benign. Last evaluated: 2026-01-20. Review status: criteria provided, single submitter. Criteria: Invitae Variant Classification Sherloc (09022015). Collection method: clinical testing. Allele origin: germline.

Blueprint Genetics
Classification: Likely benign. Last evaluated: 2023-02-10. Review status: criteria provided, single submitter. Criteria: ACMG Guidelines, 2015. Collection method: clinical testing. Allele origin: germline.

PreventionGenetics, part of Exact Sciences
Classification: Likely benign for MIPEP-related condition. Last evaluated: 2019-10-07. Review status: no assertion criteria provided. Collection method: clinical testing. Allele origin: germline. Not counted in ClinVar's aggregate classification.
Comment: This variant is classified as likely benign based on ACMG/AMP sequence variant interpretation guidelines (Richards et al. 2015 PMID: 25741868, with internal and published modifications).

NM_005932.4(MIPEP):c.1544-7G>C

Gene: MIPEP (mitochondrial intermediate peptidase; minus strand). Cytogenetic location: 13q12.12.
Variant type: single nucleotide variant.
Coding change: c.1544-7G>C on transcript NM_005932.4 (MANE Select); 7 bases into the intron before coding-DNA position 1544, G replaced by C.
Molecular consequence: intron variant.
Genome position (GRCh38, 1-based): chr13:23,836,356, C>G on the plus strand (G>C on the coding strand, the complement: MIPEP is on the minus strand). VCF-style: chr13-23836356-C-G. GRCh37 (hg19) VCF-style: chr13-24410495-C-G.
Identifiers: ClinVar variation 739826 (VCV000739826.7), dbSNP rs754023119, ClinGen allele CA6912943.
Genomic context (GRCh38, chr13:23,836,356, plus strand): 5'-AGTACTCCATCAGAATAGAAGGAACCTCAGCAAAATCAGTAGGGCACCTGGTCCCTAAAA[C>G]AAGAAAAAAAAAAAAGTTGGCATGAATCAAATCAATATATTTATCTACTTTTTGTGTGCC-3'